The following is an entry in ClinVar:

ClinVar aggregate classification (germline): Pathogenic. Review status: criteria provided, multiple submitters, no conflicts (2 of 4 stars). 18 submissions from 18 submitters: Pathogenic (17). 1 of the submissions does not count toward it. Last evaluated 2025-12-24.

Conditions:
ATP7B-related disorder. Also called: ATP7B-related condition.
Wilson disease (WND). Also called: Wilson's disease. Identifiers: Orphanet 905, MedGen C0019202, MONDO:0010200, OMIM 277900. Disease mechanism: loss of function.

Allele frequency attached by ClinVar (database versions not stated): TOPMed 0.00003.
gnomAD v4.1: 22 of 1,614,062 alleles (0.0014%); highest among the groups gnomAD compares: East Asian, 0.0067%; no homozygotes.

Submissions 1 to 6 of 18:

PreventionGenetics, part of Exact Sciences
Classification: Pathogenic for ATP7B-related condition. Last evaluated: 2025-12-24. Review status: criteria provided, single submitter. Criteria: ACMG Guidelines, 2015. Collection method: clinical testing. Allele origin: germline.
Comment: The ATP7B c.2333G>A variant is predicted to result in the amino acid substitution p.Arg778Gln. This variant has been reported to be one of the most common causative variants for autosomal recessive Wilson disease (Chuang et al. 1996. PubMed ID: 8782057; Couchonnal et al. 2021. PubMed ID: 34400371; Duc Lao et al. 2024. PubMed ID: 39502306). A functional study suggested that the variant reduced protein function (Forbes et al. 1998. PubMed ID: 9837819). Alternate variants at the same amino acid position (p.Arg778Gly, p.Arg778Leu, p.Arg778Trp) have been reported individuals with Wilson disease from various ethnicities and noted to be pathogenic (Chuang et al. 1996. PubMed ID: 8782057; Table S2, Schushan. 2012. PubMed ID: 22692182). The c.2333G>A variant is reported in 0.028% of alleles in individuals of East Asian descent in gnomAD and is classified as pathogenic in ClinVar (Variation ID: 550914). This variant is interpreted as pathogenic.

Natera, Inc.
Classification: Pathogenic for Wilson disease. Last evaluated: 2025-12-17. Review status: criteria provided, single submitter. Criteria: Natera Variant Classification Schema (03/2026). Collection method: clinical testing. Allele origin: germline.
Comment: The c.2333G>A variant in ATP7B is a missense variant predicted to cause substitution of arginine to glutamine at amino acid 778. This variant is rare in the general population with a frequency below the threshold expected for the associated phenotype(s). This variant has been observed in one or more individuals affected with the associated recessive disease, as either homozygous or compound heterozygous with a second variant (PMID: 27022412, 35220961). Given the available evidence, this variant is classified as Pathogenic.

Labcorp Genetics (formerly Invitae), Labcorp
Classification: Pathogenic for Wilson disease. Last evaluated: 2025-09-15. Review status: criteria provided, single submitter. Criteria: Invitae Variant Classification Sherloc (09022015). Collection method: clinical testing. Allele origin: germline.
Comment: This sequence change replaces arginine, which is basic and polar, with glutamine, which is neutral and polar, at codon 778 of the ATP7B protein (p.Arg778Gln). This variant is present in population databases (rs28942074, gnomAD 0.03%). This missense change has been observed in individual(s) with Wilson disease (PMID: 11405812, 20931554, 21796144, 27022412). In at least one individual the data is consistent with being in trans (on the opposite chromosome) from a pathogenic variant. ClinVar contains an entry for this variant (Variation ID: 550914). Invitae Evidence Modeling of protein sequence and biophysical properties (such as structural, functional, and spatial information, amino acid conservation, physicochemical variation, residue mobility, and thermodynamic stability) indicates that this missense variant is expected to disrupt ATP7B protein function with a positive predictive value of 80%. Experimental studies have shown that this missense change affects ATP7B function (PMID: 9837819). This variant disrupts the p.Arg778 amino acid residue in ATP7B. Other variant(s) that disrupt this residue have been determined to be pathogenic (PMID: 10453196, 11243728, 11405812, 11479773, 16998622, 17160357, 20517649, 21682854, 23333878, 23518715, 25086856, 25988284, 27398169, 28212618). This suggests that this residue is clinically significant, and that variants that disrupt this residue are likely to be disease-causing. For these reasons, this variant has been classified as Pathogenic.

GeneDx
Classification: Pathogenic. Last evaluated: 2025-07-29. Review status: criteria provided, single submitter. Criteria: GeneDx Variant Classification Process June 2021. Collection method: clinical testing. Allele origin: germline. Affected: yes.
Comment: Published functional studies demonstrate a damaging effect (PMID: 9837819); In silico analysis supports that this missense variant has a deleterious effect on protein structure/function; This variant is associated with the following publications: (PMID: 24253677, 24878384, 8782057, 31589614, 34400371, 22692182, 28212618, 30655162, 27022412, 24094725, 17587212, 30120852, 30702195, 20931554, 30366773, 30275481, 35578211, 35193651, 9837819, 35220961)

ARUP Laboratories, Molecular Genetics and Genomics, ARUP Laboratories
Classification: Pathogenic for Wilson disease. Last evaluated: 2025-06-04. Review status: criteria provided, single submitter. Criteria: ARUP Molecular Germline Variant Investigation Process 2024. Collection method: clinical testing. Allele origin: germline.
Comment: The ATP7B c.2333G>A; p.Arg778Gln variant (rs28942074, ClinVar Variation ID: 550914) is reported in the literature in multiple individuals affected with Wilson disease (WD, Chuang 1996, Yu 2017, Couchonnal 2021, Despotov 2022, Dong 2016, Wan 2010), and has demonstrated to occur in trans to pathogenic variants in certain cases (Lu 2014). This variant is only observed on eight alleles in the Genome Aggregation Database (v2.1.1), indicating it is not a common polymorphism. Yeast complementation assays indicate the variant protein has a reduced ability to rescue growth of ccc2 mutant yeast compared to wild-type (Forbes and Cox 1998). Additionally, other amino acid substitutions at this codon (p.Arg778Leu, p.Arg778Gly, p.Arg778Trp) have been reported in individuals with WD and are considered pathogenic (Xiao 2019, Wan 2010, Simsek 2013). Based on available information, the p.Arg778Gln variant is considered to be pathogenic. References: Chuang LM et al. High frequency of two mutations in codon 778 in exon 8 of the ATP7B gene in Taiwanese families with Wilson disease. J Med Genet. 1996 Jun;33(6):521-3. PMID: 8782057 Couchonnal E et al. ATP7B variant spectrum in a French pediatric Wilson disease cohort. Eur J Med Genet. 2021 Oct;64(10):104305. PMID: 34400371. Despotov K et al. Rare co-occurrence of multiple sclerosis and Wilson's disease - case report. BMC Neurol. 2022 May 16;22(1):178. PMID: 35578211 Dong Y et al. Spectrum and Classification of ATP7B Variants in a Large Cohort of Chinese Patients with Wilson's Disease Guides Genetic Diagnosis. Theranostics. 2016 Mar 3;6(5):638-49. PMID: 27022412 Forbes JR and Cox DW. Functional characterization of missense mutations in ATP7B: Wilson disease mutation or normal variant? Am J Hum Genet. 1998 Dec;63(6):1663-74. PMID: 9837819 Lu CX et al. New mutations and polymorphisms of the ATP7B gene in sporadic Wilson disease. Eur J Med Genet. 2014 Sep;57(9):498-502. PMID: 24878384. Simsek Papur O et al. Mutation analysis of ATP7B gene in Turkish Wilson disease patients: identification of five novel mutations. Eur J Med Genet. 2013 Apr;56(4):175-9. PMID: 23333878. Wan L et al. Mutation analysis and characterization of alternative splice variants of the Wilson disease gene ATP7B. Hepatology. 2010 Nov;52(5):1662-70. PMID: 20931554. Xiao H et al. Mutation Analysis of the ATP7B Gene in Seven Chinese Families with Wilson's Disease. Digestion. 2019;99(4):319-326. PMID: 30384382. Yu H, Xie JJ, Chen YC, Dong QY, Dong Y, Ni W, Wu ZY. Clinical features and outcome in patients with osseomuscular type of Wilson's disease. BMC Neurol. 2017 Feb 17;17(1):34. doi: 10.1186/s12883-017-0818-1. PMID: 28212618; PMCID: PMC5316220.

3billion
Classification: Pathogenic for Wilson disease. Last evaluated: 2025-04-02. Review status: criteria provided, single submitter. Criteria: ACMG Guidelines, 2015. Collection method: clinical testing. Allele origin: germline. Affected: yes.
Comment: The variant is observed at an extremely low frequency in the gnomAD v4.1.0 dataset (total allele frequency: 0.001%). Predicted Consequence/Location: Missense variant. The majority of the known disease-causing variants of this gene are variants expected to result in premature termination of the protein. In silico tool predictions suggest damaging effect of the variant on gene or gene product [REVEL: 0.93 (>=0.6, sensitivity 0.68 and specificity 0.92); 3Cnet: 0.98 (> 0.75, sensitivity 0.96 and precision 0.92)]. The same nucleotide change resulting in the same amino acid change has been previously reported as pathogenic/likely pathogenic with strong evidence (ClinVar ID: VCV000550914 / PMID: 8782057). The variant has been observed in multiple (>3) similarly affected unrelated individuals (PMID: 27022412). The variant has been reported to be in trans with a pathogenic variant as either compound heterozygous or homozygous in at least 2 similarly affected unrelated individuals (PMID: 11405812, 21796144). Different missense changes at the same codon (p.Arg778Gly, p.Arg778Leu, p.Arg778Trp) have been reported as pathogenic/likely pathogenic with strong evidence (ClinVar ID: VCV000003852, VCV000156283, VCV000456553 / PMID: 7626145, 8533760, 9311736 / 3billion dataset). Therefore, this variant is classified as Pathogenic according to the recommendation of ACMG/AMP guideline.

NM_000053.4(ATP7B):c.2333G>A (p.Arg778Gln)

Gene: ATP7B (ATPase copper transporting beta; minus strand). Cytogenetic location: 13q14.3.
Variant type: single nucleotide variant.
Coding change: c.2333G>A on transcript NM_000053.4 (MANE Select); coding-DNA position 2333, G replaced by A.
Protein change: p.Arg778Gln; replaces arginine 778 with glutamine.
Molecular consequence: missense variant. On other transcripts: intron variant (2).
Genome position (GRCh38, 1-based): chr13:51,958,333, C>T on the plus strand (G>A on the coding strand, the complement: ATP7B is on the minus strand). VCF-style: chr13-51958333-C-T. GRCh37 (hg19) VCF-style: chr13-52532469-C-T.
Other names: p.Arg778Gln; c.2000G>A, p.Arg667Gln (NM_001243182.2); c.2081G>A, p.Arg694Gln (NM_001330579.2); c.1870-726G>A (NM_001005918.3); c.2122-726G>A (NM_001330578.2); short protein forms R778Q, R667Q, R694Q.
Identifiers: ClinVar variation 550914 (VCV000550914.49), dbSNP rs28942074, ClinGen allele CA501036.